The following is an entry in ClinVar:

NM_031935.3(HMCN1):c.7444G>C (p.Gly2482Arg)

Gene: HMCN1 (hemicentin 1; plus strand). Cytogenetic location: 1q31.1.
Variant type: single nucleotide variant.
Coding change: c.7444G>C on transcript NM_031935.3 (MANE Select); coding-DNA position 7444, G replaced by C.
Protein change: p.Gly2482Arg; replaces glycine 2482 with arginine.
Molecular consequence: missense variant.
Genome position (GRCh38, 1-based): chr1:186,062,531, G>C. VCF-style: chr1-186062531-G-C. GRCh37 (hg19) VCF-style: chr1-186031663-G-C.
Other names: short protein forms G2482R.
Identifiers: ClinVar variation 1965350 (VCV001965350.5), dbSNP rs1203854943, ClinGen allele CA343905146.

ClinVar aggregate classification (germline): Uncertain significance (1 of 4 stars; one submission).

Allele frequency attached by ClinVar (database versions not stated): gnomAD 0.00001; TOPMed 0.00001.
gnomAD v4.1: 2 of 1,609,826 alleles (0.00012%); highest among the groups gnomAD compares: African/African-American, 0.0013%; no homozygotes.

Submission:

Labcorp Genetics (formerly Invitae), Labcorp
Classification: Uncertain significance. Last evaluated: 2022-02-09. Review status: criteria provided, single submitter. Criteria: Invitae Variant Classification Sherloc (09022015). Collection method: clinical testing. Allele origin: germline.
Comment: In summary, the available evidence is currently insufficient to determine the role of this variant in disease. Therefore, it has been classified as a Variant of Uncertain Significance. Algorithms developed to predict the effect of missense changes on protein structure and function are either unavailable or do not agree on the potential impact of this missense change (SIFT: "Deleterious"; PolyPhen-2: "Probably Damaging"; Align-GVGD: "Class C0"). This variant has not been reported in the literature in individuals affected with HMCN1-related conditions. This variant is not present in population databases (gnomAD no frequency). This sequence change replaces glycine, which is neutral and non-polar, with arginine, which is basic and polar, at codon 2482 of the HMCN1 protein (p.Gly2482Arg).